The following is an entry in ClinVar:

NM_018105.3(THAP1):c.586A>G (p.Arg196Gly)

Gene: THAP1 (THAP domain containing 1; minus strand). Cytogenetic location: 8p11.21.
Variant type: single nucleotide variant.
Coding change: c.586A>G on transcript NM_018105.3 (MANE Select); coding-DNA position 586, A replaced by G.
Protein change: p.Arg196Gly; replaces arginine 196 with glycine.
Molecular consequence: missense variant. On other transcripts: 3 prime UTR variant (1).
Genome position (GRCh38, 1-based): chr8:42,838,018, T>C on the plus strand (A>G on the coding strand, the complement: THAP1 is on the minus strand). VCF-style: chr8-42838018-T-C. GRCh37 (hg19) VCF-style: chr8-42693161-T-C.
Other names: c.*228A>G (NM_199003.2); short protein forms R196G.
Identifiers: ClinVar variation 2732141 (VCV002732141.2), dbSNP rs1183345847, ClinGen allele CA371106396.

ClinVar aggregate classification (germline): Uncertain significance. Review status: criteria provided, multiple submitters, no conflicts (2 of 4 stars). 2 submissions from 2 submitters: Uncertain significance (2). Last evaluated 2023-09-08.

Conditions:
Young-onset Parkinson disease. Identifiers: Orphanet 2828, MedGen C4275179, MONDO:0017279.
Torsion dystonia 6 (DYT6). Also called: DYT-THAP1. Identifiers: Orphanet 98806, MedGen C1414216, MONDO:0011264, OMIM 602629.

Allele frequency attached by ClinVar (database versions not stated): TOPMed below 0.00001; gnomAD 0.00001; gnomAD exomes 0.00001.
gnomAD v4.1: 14 of 1,613,740 alleles (0.00087%); highest among the groups gnomAD compares: Non-Finnish European, 0.0012%; no homozygotes.

Submissions (2):

Labcorp Genetics (formerly Invitae), Labcorp
Classification: Uncertain significance for Torsion dystonia 6. Last evaluated: 2023-09-08. Review status: criteria provided, single submitter. Criteria: Invitae Variant Classification Sherloc (09022015). Collection method: clinical testing. Allele origin: germline.
Comment: This sequence change replaces arginine, which is basic and polar, with glycine, which is neutral and non-polar, at codon 196 of the THAP1 protein (p.Arg196Gly). This variant is present in population databases (no rsID available, gnomAD 0.007%). This variant has not been reported in the literature in individuals affected with THAP1-related conditions. An algorithm developed to predict the effect of missense changes on protein structure and function (PolyPhen-2) suggests that this variant¬†is likely to be tolerated. In summary, the available evidence is currently insufficient to determine the role of this variant in disease. Therefore, it has been classified as a Variant of Uncertain Significance.

Cambridge Genomics Laboratory, East Genomic Laboratory Hub, NHS Genomic Medicine Service
Classification: Uncertain significance for Young-onset Parkinson disease. Last evaluated: 2019-05-21. Review status: criteria provided, single submitter. Criteria: ACGS Best Practice Guidelines for Variant Classification in Rare Disease 2020. Collection method: clinical testing. Allele origin: germline. Affected: yes. Observed: 1 variant allele.